The following is an entry in ClinVar:

NM_002734.5(PRKAR1A):c.110A>C (p.Gln37Pro)

Gene: PRKAR1A (protein kinase cAMP-dependent type I regulatory subunit alpha; plus strand). Cytogenetic location: 17q24.2.
Variant type: single nucleotide variant.
Coding change: c.110A>C on transcript NM_002734.5 (MANE Select); coding-DNA position 110, A replaced by C.
Protein change: p.Gln37Pro; replaces glutamine 37 with proline.
Molecular consequence: missense variant.
Genome position (GRCh38, 1-based): chr17:68,515,509, A>C. VCF-style: chr17-68515509-A-C. GRCh37 (hg19) VCF-style: chr17-66511650-A-C.
Other names: c.110A>C, p.Gln37Pro (NM_212471.3, NM_212472.2, NM_001276289.2 and 4 more transcripts); short protein forms Q37P.
Identifiers: ClinVar variation 1374622 (VCV001374622.6), dbSNP rs2143151932, ClinGen allele CA400751986.
Genomic context (GRCh38, chr17:68,515,509, plus strand): 5'-AATGTGAGCTCTACGTCCAGAAGCATAACATTCAAGCGCTGCTCAAAGATTCTATTGTGC[A>C]GTTGTGCACTGCTCGACCTGAGAGACCCATGGCATTCCTCAGGGAATACTTTGAGAGGTT-3'
Protein context (NP_002725.1, residues 27-47): IQALLKDSIV[Gln37Pro]LCTARPERPM

ClinVar aggregate classification (germline): Uncertain significance (1 of 4 stars; one submission).

Conditions:
Carney complex, type 1 (CNC1). Also called: CARNEY MYXOMA-ENDOCRINE COMPLEX; CARNEY COMPLEX, TYPE I. Identifiers: Orphanet 1359, MedGen C2607929, MONDO:0008057, OMIM 160980.

gnomAD v4.1: 1 of 1,613,360 alleles (0.000062%); highest among the groups gnomAD compares: East Asian, 0.0022%; no homozygotes.

Submission:

Labcorp Genetics (formerly Invitae), Labcorp
Classification: Uncertain significance for Carney complex, type 1. Last evaluated: 2021-08-12. Review status: criteria provided, single submitter. Criteria: Invitae Variant Classification Sherloc (09022015). Collection method: clinical testing. Allele origin: germline.
Comment: In summary, the available evidence is currently insufficient to determine the role of this variant in disease. Therefore, it has been classified as a Variant of Uncertain Significance. Algorithms developed to predict the effect of missense changes on protein structure and function are either unavailable or do not agree on the potential impact of this missense change (SIFT: "Tolerated"; PolyPhen-2: "Possibly Damaging"; Align-GVGD: "Class C0"). This variant has not been reported in the literature in individuals affected with PRKAR1A-related conditions. This variant is not present in population databases (ExAC no frequency). This sequence change replaces glutamine with proline at codon 37 of the PRKAR1A protein (p.Gln37Pro). The glutamine residue is moderately conserved and there is a moderate physicochemical difference between glutamine and proline.